The following is an entry in ClinVar:

ClinVar aggregate classification (germline): Benign/Likely benign. Review status: criteria provided, multiple submitters, no conflicts (2 of 4 stars). 6 submissions from 6 submitters: Benign (1); Likely benign (5). Last evaluated 2025-12-22.

Conditions:
Ataxia-telangiectasia syndrome (AT). Also called: Ataxia telangiectasia (A-T); Ataxia-telangiectasia, complementation group E; LOUIS-BAR SYNDROME; Cerebello-oculocutaneous telangiectasia; Immunodeficiency with ataxia telangiectasia; Ataxia-telangiectasia, complementation group D. Identifiers: Orphanet 100, MedGen C0004135, MONDO:0008840, OMIM 208900.
Hereditary cancer-predisposing syndrome. Also called: Hereditary Cancer Syndrome; Neoplastic Syndromes, Hereditary; Tumor predisposition; Hereditary neoplastic syndrome. Identifiers: Orphanet 140162, MedGen C0027672, MeSH D009386, MONDO:0015356.
Familial cancer of breast. Also called: Hereditary breast cancer; hereditary breast carcinoma; BREAST CANCER, FAMILIAL. Identifiers: Orphanet 227535, MedGen C0346153, MONDO:0016419, OMIM 114480. Disease mechanism: loss of function.

Allele frequency attached by ClinVar (database versions not stated): gnomAD exomes below 0.00001 and 0.00001; gnomAD 0.00002; TOPMed 0.00003.
gnomAD v4.1: 11 of 1,613,342 alleles (0.00068%); highest among the groups gnomAD compares: Admixed American, 0.0033%; no homozygotes.

Submissions (6):

Labcorp Genetics (formerly Invitae), Labcorp
Classification: Likely benign for Ataxia-telangiectasia syndrome. Last evaluated: 2025-12-22. Review status: criteria provided, single submitter. Criteria: Invitae Variant Classification Sherloc (09022015). Collection method: clinical testing. Allele origin: germline.

Myriad Genetics, Inc.
Classification: Benign for Familial cancer of breast. Last evaluated: 2024-05-07. Review status: criteria provided, single submitter. Criteria: Myriad Autosomal Dominant, Autosomal Recessive and X-Linked Classification Criteria (2023). Collection method: clinical testing. Allele origin: unknown.
Comment: This variant is considered benign. This variant is a silent/synonymous amino acid change and it is not expected to impact splicing.

Women's Health and Genetics/Laboratory Corporation of America, LabCorp
Classification: Likely benign. Last evaluated: 2020-01-10. Review status: criteria provided, single submitter. Criteria: LabCorp Variant Classification Summary - May 2015. Collection method: clinical testing. Allele origin: germline.

Mendelics
Classification: Likely benign for Ataxia-telangiectasia syndrome. Last evaluated: 2019-05-28. Review status: criteria provided, single submitter. Criteria: Mendelics Assertion Criteria 2017. Collection method: clinical testing. Allele origin: unknown.

Color Diagnostics, LLC DBA Color Health
Classification: Likely benign for Hereditary cancer-predisposing syndrome. Last evaluated: 2017-01-06. Review status: criteria provided, single submitter. Criteria: ACMG Guidelines, 2015. Collection method: clinical testing. Allele origin: germline.

Ambry Genetics
Classification: Likely benign for Hereditary cancer-predisposing syndrome. Last evaluated: 2015-04-27. Review status: criteria provided, single submitter. Criteria: Ambry Variant Classification Scheme 2023. Collection method: clinical testing. Allele origin: germline.

NM_000051.4(ATM):c.2115C>T (p.Tyr705=)

Gene: ATM (ATM serine/threonine kinase; plus strand). Cytogenetic location: 11q22.3.
Variant type: single nucleotide variant.
Coding change: c.2115C>T on transcript NM_000051.4 (MANE Select); coding-DNA position 2115, C replaced by T.
Protein change: p.Tyr705=; no amino-acid change (tyrosine 705 retained).
Molecular consequence: synonymous variant.
Genome position (GRCh38, 1-based): chr11:108,254,030, C>T. VCF-style: chr11-108254030-C-T. GRCh37 (hg19) VCF-style: chr11-108124757-C-T.
Other names: c.2115C>T, p.Tyr705= (NM_001351834.2).
Identifiers: ClinVar variation 231426 (VCV000231426.21), dbSNP rs876659149, ClinGen allele CA10579038.
Genomic context (GRCh38, chr11:108,254,030, plus strand): 5'-TCTCAAGGAATCACTGGATCGCTGTCTTCTGGGATTATCAGAACAGCTTCTGAATAATTA[C>T]TCATCTGAGGTGAGATTTTTTAAAAAAAGAACTAAGCTTATATATGATTCAACTTTGGTA-3'
Protein context (NP_000042.3, residues 695-715): LGLSEQLLNN[Tyr705=]SSEITNSETL